The following is an entry in ClinVar:

ClinVar aggregate classification (germline): Uncertain significance. Review status: criteria provided, multiple submitters, no conflicts (2 of 4 stars). 4 submissions from 4 submitters: Uncertain significance (4). Last evaluated 2025-12-15.

Conditions:
Hereditary cancer-predisposing syndrome. Also called: Tumor predisposition; Neoplastic Syndromes, Hereditary; Hereditary Cancer Syndrome; Hereditary neoplastic syndrome. Identifiers: Orphanet 140162, MedGen C0027672, MeSH D009386, MONDO:0015356.
Fanconi anemia complementation group O. Also called: RAD51C-Related Fanconi Anemia. Identifiers: Orphanet 84, MedGen C3150653, MONDO:0013248, OMIM 613390.

Submissions (4):

Labcorp Genetics (formerly Invitae), Labcorp
Classification: Uncertain significance for Fanconi anemia complementation group O. Last evaluated: 2025-12-15. Review status: criteria provided, single submitter. Criteria: Invitae Variant Classification Sherloc (09022015). Collection method: clinical testing. Allele origin: germline.
Comment: This sequence change creates a premature translational stop signal (p.Leu376*) in the RAD51C gene. While this is not anticipated to result in nonsense mediated decay, it is expected to disrupt the last 1 amino acid(s) of the RAD51C protein. This variant is present in population databases (no rsID available, gnomAD 0.01%). This variant has not been reported in the literature in individuals affected with RAD51C-related conditions. ClinVar contains an entry for this variant (Variation ID: 490119). Experimental studies and prediction algorithms are not available or were not evaluated, and the functional significance of this variant is currently unknown. In summary, the available evidence is currently insufficient to determine the role of this variant in disease. Therefore, it has been classified as a Variant of Uncertain Significance.

Ambry Genetics
Classification: Uncertain significance for Hereditary cancer-predisposing syndrome. Last evaluated: 2024-12-05. Review status: criteria provided, single submitter. Criteria: Ambry Variant Classification Scheme 2023. Collection method: clinical testing. Allele origin: germline.
Comment: The c.1127_1129delTAT variant (also known as p.L376*) is located in coding exon 9 of the RAD51C gene. This variant results from an in-frame TAT deletion at nucleotide positions 1127 to 1129. This changes the amino acid from a leucine to a stop codon within coding exon 9. This alteration occurs at the 3' terminus of theRAD51C gene, is not expected to trigger nonsense-mediated mRNAdecay, and only impacts the last amino acid of the protein. The exact functional effect of this alteration is unknown. Based on the available evidence, the clinical significance of this variant remains unclear.

GeneDx
Classification: Uncertain significance. Last evaluated: 2019-07-18. Review status: criteria provided, single submitter. Criteria: GeneDx Variant Classification Process June 2021. Collection method: clinical testing. Allele origin: germline. Affected: yes.
Comment: Not observed at a significant frequency in large population cohorts (Lek 2016); Nonsense variant predicted to result in protein truncation with a loss of the last amino acid in the protein; Has not been previously published as pathogenic or benign to our knowledge

Color Diagnostics, LLC DBA Color Health
Classification: Uncertain significance for Hereditary cancer-predisposing syndrome. Last evaluated: 2019-02-28. Review status: criteria provided, single submitter. Criteria: ACMG Guidelines, 2015. Collection method: clinical testing. Allele origin: germline.

NM_058216.3(RAD51C):c.1127_1129del (p.Leu376del)

Gene: RAD51C (RAD51 paralog C; plus strand). Cytogenetic location: 17q22.
Variant type: Deletion.
Coding change: c.1127_1129del on transcript NM_058216.3 (MANE Select); coding-DNA positions 1127 to 1129, 3 bases deleted (TAT; older notation c.1127_1129delTAT).
Protein change: p.Leu376del; deletes leucine 376.
Molecular consequence: inframe deletion. On other transcripts: non-coding transcript variant (1).
Genome position (GRCh38, 1-based): chr17:58,734,218-58,734,220, TAT deleted; deleting any 3 consecutive bases within chr17:58,734,216-58,734,220 gives the same sequence; the c. name uses the placement nearest the transcript's 3' end. VCF-style (leftmost placement, unchanged base first): chr17-58734215-AATT-A. GRCh37 (hg19) VCF-style: chr17-56811576-AATT-A.
Other names: c.1127_1129del (NM_058216.2); short protein forms L376del.
Identifiers: ClinVar variation 490119 (VCV000490119.14), dbSNP rs1232402052, ClinGen allele CA626738951.